The following is an entry in ClinVar:

NM_001384474.1(LOXHD1):c.710A>T (p.Asn237Ile)

Gene: LOXHD1 (lipoxygenase homology PLAT domains 1; minus strand). Cytogenetic location: 18q21.1.
Variant type: single nucleotide variant.
Coding change: c.710A>T on transcript NM_001384474.1 (MANE Select); coding-DNA position 710, A replaced by T.
Protein change: p.Asn237Ile; replaces asparagine 237 with isoleucine.
Molecular consequence: missense variant.
Genome position (GRCh38, 1-based): chr18:46,610,825, T>A on the plus strand (A>T on the coding strand, the complement: LOXHD1 is on the minus strand). VCF-style: chr18-46610825-T-A. GRCh37 (hg19) VCF-style: chr18-44190788-T-A.
Other names: c.710A>T, p.Asn237Ile (NM_144612.7); short protein forms N237I.
Identifiers: ClinVar variation 2198438 (VCV002198438.1), dbSNP rs539278802, ClinGen allele CA8952898.

ClinVar aggregate classification (germline): Uncertain significance (1 of 4 stars; one submission).

Allele frequency attached by ClinVar (database versions not stated): 1000 Genomes Project 30x 0.00016.
gnomAD v4.1: 25 of 1,551,752 alleles (0.0016%); highest among the groups gnomAD compares: East Asian, 0.054%; no homozygotes.

Submission:

Labcorp Genetics (formerly Invitae), Labcorp
Classification: Uncertain significance. Last evaluated: 2022-03-29. Review status: criteria provided, single submitter. Criteria: Invitae Variant Classification Sherloc (09022015). Collection method: clinical testing. Allele origin: germline.
Comment: This sequence change replaces asparagine, which is neutral and polar, with isoleucine, which is neutral and non-polar, at codon 237 of the LOXHD1 protein (p.Asn237Ile). This variant is present in population databases (rs539278802, gnomAD 0.1%). This variant has not been reported in the literature in individuals affected with LOXHD1-related conditions. Algorithms developed to predict the effect of missense changes on protein structure and function are either unavailable or do not agree on the potential impact of this missense change (SIFT: "Deleterious"; PolyPhen-2: "Benign"; Align-GVGD: "Class C0"). In summary, the available evidence is currently insufficient to determine the role of this variant in disease. Therefore, it has been classified as a Variant of Uncertain Significance.